The following is an entry in ClinVar:

NM_033026.6(PCLO):c.3109A>G (p.Thr1037Ala)

Gene: PCLO (piccolo presynaptic cytomatrix protein; minus strand). Cytogenetic location: 7q21.11.
Variant type: single nucleotide variant.
Coding change: c.3109A>G on transcript NM_033026.6 (MANE Select); coding-DNA position 3109, A replaced by G.
Protein change: p.Thr1037Ala; replaces threonine 1037 with alanine.
Molecular consequence: missense variant.
Genome position (GRCh38, 1-based): chr7:83,134,441, T>C on the plus strand (A>G on the coding strand, the complement: PCLO is on the minus strand). VCF-style: chr7-83134441-T-C. GRCh37 (hg19) VCF-style: chr7-82763757-T-C.
Other names: c.3109A>G, p.Thr1037Ala (NM_014510.3); short protein forms T1037A.
Identifiers: ClinVar variation 1384021 (VCV001384021.6), dbSNP rs374268386, ClinGen allele CA4321141.

ClinVar aggregate classification (germline): Uncertain significance (1 of 4 stars; one submission).

Allele frequency attached by ClinVar (database versions not stated): gnomAD exomes 0.00003 and 0.00005; ExAC 0.00004; gnomAD 0.00006; TOPMed 0.00007; ESP Exome Variant Server 0.00008.
gnomAD v4.1: 56 of 1,613,756 alleles (0.0035%); highest among the groups gnomAD compares: Admixed American, 0.005%; no homozygotes.

Submission:

Labcorp Genetics (formerly Invitae), Labcorp
Classification: Uncertain significance. Last evaluated: 2024-12-02. Review status: criteria provided, single submitter. Criteria: Invitae Variant Classification Sherloc (09022015). Collection method: clinical testing. Allele origin: germline.
Comment: This sequence change replaces threonine, which is neutral and polar, with alanine, which is neutral and non-polar, at codon 1037 of the PCLO protein (p.Thr1037Ala). This variant is present in population databases (rs374268386, gnomAD 0.007%). This variant has not been reported in the literature in individuals affected with PCLO-related conditions. ClinVar contains an entry for this variant (Variation ID: 1384021). An algorithm developed to predict the effect of missense changes on protein structure and function outputs the following: PolyPhen-2: "Not Available". The alanine amino acid residue is found in multiple mammalian species, which suggests that this missense change does not adversely affect protein function. In summary, the available evidence is currently insufficient to determine the role of this variant in disease. Therefore, it has been classified as a Variant of Uncertain Significance.